The following is an entry in ClinVar:

ClinVar aggregate classification (germline): Likely pathogenic. Review status: criteria provided, multiple submitters, no conflicts (2 of 4 stars). 3 submissions from 3 submitters: Likely pathogenic (2). 1 of the submissions does not count toward it. Last evaluated 2023-09-02.

Conditions:
Syndromic X-linked intellectual disability Najm type (MICPCH). Also called: Mental retardation and microcephaly with pontine and cerebellar hypoplasia; Intellectual Disability and Microcephaly with Pontine and Cerebellar Hypoplasia; MICPCH SYNDROME; Intellectual developmental disorder and microcephaly with pontine and cerebellar hypoplasia; MENTAL RETARDATION, X-LINKED, SYNDROMIC, NAJM TYPE; Intellectual Disability and Microcephaly with Pontine and Cerebellar Hypoplasia (MICPCH). Identifiers: Orphanet 163937, MedGen C2677903, MONDO:0010417, OMIM 300749.
FG syndrome 4 (FGS4). Identifiers: MedGen C1845546, MONDO:0010318, OMIM 300422.

Submissions (3):

GeneDx
Classification: Likely pathogenic. Last evaluated: 2023-09-02. Review status: criteria provided, single submitter. Criteria: GeneDx Variant Classification Process June 2021. Collection method: clinical testing. Allele origin: germline. Affected: yes.
Comment: Published functional studies demonstrate impaired protein-protein interaction as well as misfolding (LaConte et al., 2014; Pan et al., 2021); In silico analysis supports that this missense variant has a deleterious effect on protein structure/function; Not observed at significant frequency in large population cohorts (gnomAD); This variant is associated with the following publications: (PMID: 33090494, 23406872, 24505460, 20029458)

Genetic Services Laboratory, University of Chicago
Classification: Likely pathogenic for Mental retardation and microcephaly with pontine and cerebellar hypoplasia. Last evaluated: 2015-02-02. Review status: criteria provided, single submitter. Criteria: ACMG Guidelines, 2015. Collection method: clinical testing. Allele origin: germline. Affected: yes.

OMIM
Classification: Pathogenic for INTELLECTUAL DEVELOPMENTAL DISORDER, X-LINKED, WITH NYSTAGMUS. Last evaluated: 2010-05-01. Review status: no assertion criteria provided. Collection method: literature only. Allele origin: germline. Not counted in ClinVar's aggregate classification.

Literature cited by the submitters: PubMed 20029458 (cited by OMIM).

NM_001367721.1(CASK):c.2183A>G (p.Tyr728Cys)

Gene: CASK (calcium/calmodulin dependent serine protein kinase; minus strand). Cytogenetic location: Xp11.4.
Variant type: single nucleotide variant.
Coding change: c.2183A>G on transcript NM_001367721.1 (MANE Select); coding-DNA position 2183, A replaced by G.
Protein change: p.Tyr728Cys; replaces tyrosine 728 with cysteine.
Molecular consequence: missense variant.
Genome position (GRCh38, 1-based): chrX:41,534,946, T>C on the plus strand (A>G on the coding strand, the complement: CASK is on the minus strand). VCF-style: chrX-41534946-T-C. GRCh37 (hg19) VCF-style: chrX-41394199-T-C.
Other names: c.2099A>G, p.Tyr700Cys (NM_001126054.3); c.2096A>G, p.Tyr699Cys (NM_001126055.3); c.2165A>G, p.Tyr722Cys (NM_001410745.1); c.2168A>G, p.Tyr723Cys (NM_003688.4); short protein forms Y728C, Y723C, Y700C, Y699C, Y722C.
Identifiers: ClinVar variation 29937 (VCV000029937.14), dbSNP rs398122844, ClinGen allele CA128780.